The following is an entry in ClinVar:

ClinVar aggregate classification (germline): Uncertain significance (1 of 4 stars; one submission).

Conditions:
Peroxisome biogenesis disorder 12A (Zellweger). Also called: Peroxisome biogenesis disorder 12A. Identifiers: Orphanet 912, MedGen C3554002, MONDO:0013951, OMIM 614886.

Allele frequency attached by ClinVar (database versions not stated): gnomAD exomes below 0.00001; TOPMed below 0.00001; ExAC 0.00001; gnomAD 0.00001.
gnomAD v4.1: 3 of 1,613,864 alleles (0.00019%); highest among the groups gnomAD compares: Non-Finnish European, 0.00025%; no homozygotes.

Submission:

Labcorp Genetics (formerly Invitae), Labcorp
Classification: Uncertain significance for Peroxisome biogenesis disorder 12A (Zellweger). Last evaluated: 2023-03-14. Review status: criteria provided, single submitter. Criteria: Invitae Variant Classification Sherloc (09022015). Collection method: clinical testing. Allele origin: germline.
Comment: In summary, the available evidence is currently insufficient to determine the role of this variant in disease. Therefore, it has been classified as a Variant of Uncertain Significance. Advanced modeling of protein sequence and biophysical properties (such as structural, functional, and spatial information, amino acid conservation, physicochemical variation, residue mobility, and thermodynamic stability) performed at Invitae indicates that this missense variant is not expected to disrupt PEX19 protein function. This variant has not been reported in the literature in individuals affected with PEX19-related conditions. This variant is present in population databases (rs775272239, gnomAD 0.0009%). This sequence change replaces threonine, which is neutral and polar, with lysine, which is basic and polar, at codon 238 of the PEX19 protein (p.Thr238Lys).

NM_002857.4(PEX19):c.713C>A (p.Thr238Lys)

Gene: PEX19 (peroxisomal biogenesis factor 19; minus strand). Cytogenetic location: 1q23.2.
Variant type: single nucleotide variant.
Coding change: c.713C>A on transcript NM_002857.4 (MANE Select); coding-DNA position 713, C replaced by A.
Protein change: p.Thr238Lys; replaces threonine 238 with lysine.
Molecular consequence: missense variant. On other transcripts: non-coding transcript variant (2).
Genome position (GRCh38, 1-based): chr1:160,280,128, G>T on the plus strand (C>A on the coding strand, the complement: PEX19 is on the minus strand). VCF-style: chr1-160280128-G-T. GRCh37 (hg19) VCF-style: chr1-160249918-G-T.
Other names: c.713C>A, p.Thr238Lys (NM_001193644.1); short protein forms T238K.
Identifiers: ClinVar variation 2845720 (VCV002845720.3), dbSNP rs775272239, ClinGen allele CA1197272.